The following is an entry in ClinVar:

NM_005199.5(CHRNG):c.604+1G>C

Gene: CHRNG (cholinergic receptor nicotinic gamma subunit; plus strand). Cytogenetic location: 2q37.1.
Variant type: single nucleotide variant.
Coding change: c.604+1G>C on transcript NM_005199.5 (MANE Select); the canonical splice donor site of the intron after coding-DNA position 604, G replaced by C.
Molecular consequence: splice donor variant.
Genome position (GRCh38, 1-based): chr2:232,542,521, G>C. VCF-style: chr2-232542521-G-C. GRCh37 (hg19) VCF-style: chr2-233407231-G-C.
Identifiers: ClinVar variation 4847613 (VCV004847613.1).

ClinVar aggregate classification (germline): Likely pathogenic (1 of 4 stars; one submission).

Conditions:
Lethal multiple pterygium syndrome (LMPS). Identifiers: Orphanet 33108, MedGen C1854678, MONDO:0009668, OMIM 253290.

gnomAD v4.1: 10 of 1,608,596 alleles (0.00062%); highest among the groups gnomAD compares: Non-Finnish European, 0.00077%; no homozygotes.

Submission:

Women's Health and Genetics/Laboratory Corporation of America, LabCorp
Classification: Likely pathogenic for Lethal multiple pterygium syndrome. Last evaluated: 2026-03-30. Review status: criteria provided, single submitter. Criteria: LabCorp Variant Classification Summary - May 2015. Collection method: clinical testing. Allele origin: germline.
Comment: Variant summary: CHRNG c.604+1G>C is located in a canonical splice-site and is predicted to affect mRNA splicing resulting in a significantly altered protein due to either exon skipping, shortening, or inclusion of intronic material. Variants that disrupt the consensus splice site are a relatively common cause of aberrant splicing and loss of CHRNG function. Several computational tools predict a significant impact on normal splicing: Four predict the variant abolishes a canonical 5' splicing donor site. However, these predictions have yet to be confirmed by functional studies. The variant was absent in 250380 control chromosomes. To our knowledge, no occurrence of c.604+1G>C in individuals affected with CHRNG-related conditions and no experimental evidence demonstrating its impact on protein function have been reported. No submitters have cited clinical-significance assessments for this variant to ClinVar. Based on the evidence outlined above, the variant was classified as likely pathogenic.